The following is an entry in ClinVar:

ClinVar aggregate classification (germline): Uncertain significance (1 of 4 stars; one submission).

Conditions:
Congenital myasthenic syndrome 5. Identifiers: Orphanet 590, MedGen C1864233, MONDO:0011281, OMIM 603034.

Allele frequency attached by ClinVar (database versions not stated): gnomAD exomes below 0.00001; TOPMed below 0.00001; ExAC 0.00001; gnomAD 0.00001.
gnomAD v4.1: 2 of 1,614,002 alleles (0.00012%); highest among the groups gnomAD compares: Non-Finnish European, 0.00017%; no homozygotes.

Submission:

Labcorp Genetics (formerly Invitae), Labcorp
Classification: Uncertain significance for Congenital myasthenic syndrome 5. Last evaluated: 2022-01-13. Review status: criteria provided, single submitter. Criteria: Invitae Variant Classification Sherloc (09022015). Collection method: clinical testing. Allele origin: germline.
Comment: In summary, the available evidence is currently insufficient to determine the role of this variant in disease. Therefore, it has been classified as a Variant of Uncertain Significance. Variants that disrupt the consensus splice site are a relatively common cause of aberrant splicing (PMID: 17576681, 9536098). Algorithms developed to predict the effect of sequence changes on RNA splicing suggest that this variant may disrupt the consensus splice site. ClinVar contains an entry for this variant (Variation ID: 1055043). This variant has not been reported in the literature in individuals affected with COLQ-related conditions. This variant is present in population databases (rs765867687, gnomAD 0.0009%). This sequence change falls in intron 8 of the COLQ gene. It does not directly change the encoded amino acid sequence of the COLQ protein. It affects a nucleotide within the consensus splice site.

Literature cited by the submitters: PubMed 17576681; PubMed 9536098.

NM_005677.4(COLQ):c.555+5G>T

Gene: COLQ (collagen like tail subunit of asymmetric acetylcholinesterase; minus strand). Cytogenetic location: 3p25.1.
Variant type: single nucleotide variant.
Coding change: c.555+5G>T on transcript NM_005677.4 (MANE Select); 5 bases into the intron after coding-DNA position 555, G replaced by T.
Molecular consequence: intron variant.
Genome position (GRCh38, 1-based): chr3:15,474,920, C>A on the plus strand (G>T on the coding strand, the complement: COLQ is on the minus strand). VCF-style: chr3-15474920-C-A. GRCh37 (hg19) VCF-style: chr3-15516427-C-A.
Other names: c.453+5G>T (NM_080539.4); c.525+5G>T (NM_080538.2).
Identifiers: ClinVar variation 1055043 (VCV001055043.7), dbSNP rs765867687, ClinGen allele CA2276108.